The following is an entry in ClinVar:

ClinVar aggregate classification (germline): Pathogenic (1 of 4 stars; one submission).

Conditions:
Walker-Warburg congenital muscular dystrophy. Also called: Muscular dystrophy-dystroglycanopathy, type A; Walker-Warburg syndrome. Identifiers: Orphanet 899, MedGen C0265221, MONDO:0000171.

gnomAD v4.1: 1 of 1,606,338 alleles (0.000062%); highest among the groups gnomAD compares: Non-Finnish European, 0.000085%; no homozygotes.

Submission:

Labcorp Genetics (formerly Invitae), Labcorp
Classification: Pathogenic for Walker-Warburg congenital muscular dystrophy. Last evaluated: 2022-09-12. Review status: criteria provided, single submitter. Criteria: Invitae Variant Classification Sherloc (09022015). Collection method: clinical testing. Allele origin: germline.
Comment: Advanced modeling of protein sequence and biophysical properties (such as structural, functional, and spatial information, amino acid conservation, physicochemical variation, residue mobility, and thermodynamic stability) performed at Invitae indicates that this missense variant is expected to disrupt FKRP protein function. This missense change has been observed in individual(s) with FKRP-related conditions (Invitae). In at least one individual the data is consistent with being in trans (on the opposite chromosome) from a pathogenic variant. This variant is not present in population databases (gnomAD no frequency). This sequence change replaces isoleucine, which is neutral and non-polar, with asparagine, which is neutral and polar, at codon 367 of the FKRP protein (p.Ile367Asn). This variant disrupts the p.Ile367Thr amino acid residue in FKRP. Other variant(s) that disrupt this residue have been determined to be pathogenic (PMID: 28112097; Invitae). This suggests that this residue is clinically significant, and that variants that disrupt this residue are likely to be disease-causing. For these reasons, this variant has been classified as Pathogenic.

Literature cited by the submitters: PubMed 28112097.

NM_024301.5(FKRP):c.1100T>A (p.Ile367Asn)

Gene: FKRP (fukutin related protein; plus strand). Cytogenetic location: 19q13.32.
Variant type: single nucleotide variant.
Coding change: c.1100T>A on transcript NM_024301.5 (MANE Select); coding-DNA position 1100, T replaced by A.
Protein change: p.Ile367Asn; replaces isoleucine 367 with asparagine.
Molecular consequence: missense variant.
Genome position (GRCh38, 1-based): chr19:46,756,550, T>A. VCF-style: chr19-46756550-T-A. GRCh37 (hg19) VCF-style: chr19-47259807-T-A.
Other names: c.1100T>A, p.Ile367Asn (NM_001039885.3); short protein forms I367N.
Identifiers: ClinVar variation 1953025 (VCV001953025.5), dbSNP rs1555739020, ClinGen allele CA406496646.